The following is an entry in ClinVar:

NM_001101362.3(KBTBD13):c.441del (p.Tyr148fs)

Gene: KBTBD13 (kelch repeat and BTB domain containing 13; plus strand). Cytogenetic location: 15q22.31.
Variant type: Deletion.
Coding change: c.441del on transcript NM_001101362.3 (MANE Select); coding-DNA position 441, one base deleted (C; older notation c.441delC).
Protein change: p.Tyr148fs; shifts the reading frame from tyrosine 148.
Molecular consequence: frameshift variant.
Genome position (GRCh38, 1-based): chr15:65,077,256, C deleted; the last of 2 consecutive C bases (chr15:65,077,255-65,077,256); deleting either gives the same sequence. VCF-style (leftmost placement, unchanged base first): chr15-65077254-GC-G. GRCh37 (hg19) VCF-style: chr15-65369592-GC-G.
Other names: short protein forms Y148fs.
Identifiers: ClinVar variation 4993277 (VCV004993277.1).
Genomic context (GRCh38, chr15:65,077,254, plus strand): 5'-CTCTTCATCTGCGACGGCGAGCGCGAGCTGGCGGCCGAACTGGCGCTGCCTGAGGCCCGC[GC>G]CTACGTGGCGGCCCTGCGGCCCAGCAGCTACGCGGCCGTGAGCACGCACACGCCCGCGCC-3'

ClinVar aggregate classification (germline): Uncertain significance (1 of 4 stars; one submission).

Conditions:
KBTBD13-related disorder. Also called: KBTBD13-related condition.

Submission:

PreventionGenetics, part of Exact Sciences
Classification: Uncertain significance for KBTBD13-related condition. Last evaluated: 2026-09-10. Review status: criteria provided, single submitter. Criteria: ACMG Guidelines, 2015. Collection method: clinical testing. Allele origin: germline.
Comment: The KBTBD13 c.441delC variant is predicted to result in a frameshift and premature protein termination (p.Tyr148Thrfs*13). To our knowledge, this variant has not been reported in the literature or in a large population database (gnomAD), indicating this variant is rare. At this time, the clinical significance of this variant is uncertain due to the absence of conclusive functional and genetic evidence.